The following is an entry in ClinVar:

NM_000391.4(TPP1):c.1163T>C (p.Val388Ala)

Gene: TPP1 (tripeptidyl peptidase 1; minus strand). Cytogenetic location: 11p15.4.
Variant type: single nucleotide variant.
Coding change: c.1163T>C on transcript NM_000391.4 (MANE Select); coding-DNA position 1163, T replaced by C.
Protein change: p.Val388Ala; replaces valine 388 with alanine.
Molecular consequence: missense variant.
Genome position (GRCh38, 1-based): chr11:6,615,545, A>G on the plus strand (T>C on the coding strand, the complement: TPP1 is on the minus strand). VCF-style: chr11-6615545-A-G. GRCh37 (hg19) VCF-style: chr11-6636776-A-G.
Other names: c.1163T>C (NM_000391.3); short protein forms V388A.
Identifiers: ClinVar variation 2056232 (VCV002056232.3), dbSNP rs1855567515, ClinGen allele CA379473143.

ClinVar aggregate classification (germline): Uncertain significance. Review status: criteria provided, multiple submitters, no conflicts (2 of 4 stars). 2 submissions from 2 submitters: Uncertain significance (2). Last evaluated 2025-12-09.

Conditions:
Inborn genetic diseases. Identifiers: MedGen C0950123, MeSH D030342.

Allele frequency attached by ClinVar (database versions not stated): TOPMed below 0.00001.

Submissions (2):

Ambry Genetics
Classification: Uncertain significance for Inborn genetic diseases. Last evaluated: 2025-12-09. Review status: criteria provided, single submitter. Criteria: Ambry Variant Classification Scheme 2023. Collection method: clinical testing. Allele origin: germline.

Labcorp Genetics (formerly Invitae), Labcorp
Classification: Uncertain significance. Last evaluated: 2025-04-23. Review status: criteria provided, single submitter. Criteria: Invitae Variant Classification Sherloc (09022015). Collection method: clinical testing. Allele origin: germline.
Comment: This sequence change replaces valine, which is neutral and non-polar, with alanine, which is neutral and non-polar, at codon 388 of the TPP1 protein (p.Val388Ala). This variant is not present in population databases (gnomAD no frequency). This variant has not been reported in the literature in individuals affected with TPP1-related conditions. ClinVar contains an entry for this variant (Variation ID: 2056232). Invitae Evidence Modeling of protein sequence and biophysical properties (such as structural, functional, and spatial information, amino acid conservation, physicochemical variation, residue mobility, and thermodynamic stability) indicates that this missense variant is expected to disrupt TPP1 protein function with a positive predictive value of 95%. In summary, the available evidence is currently insufficient to determine the role of this variant in disease. Therefore, it has been classified as a Variant of Uncertain Significance.